The following is an entry in ClinVar:

ClinVar aggregate classification (germline): Uncertain significance (1 of 4 stars; one submission).

Submission:

Labcorp Genetics (formerly Invitae), Labcorp
Classification: Uncertain significance. Last evaluated: 2024-10-28. Review status: criteria provided, single submitter. Criteria: Invitae Variant Classification Sherloc (09022015). Collection method: clinical testing. Allele origin: germline.
Comment: This sequence change replaces proline, which is neutral and non-polar, with leucine, which is neutral and non-polar, at codon 796 of the COL2A1 protein (p.Pro796Leu). The frequency data for this variant in the population databases is considered unreliable, as metrics indicate poor data quality at this position in the gnomAD database. This variant has not been reported in the literature in individuals affected with COL2A1-related conditions. Invitae Evidence Modeling of protein sequence and biophysical properties (such as structural, functional, and spatial information, amino acid conservation, physicochemical variation, residue mobility, and thermodynamic stability) has been performed for this missense variant. However, the output from this modeling did not meet the statistical confidence thresholds required to predict the impact of this variant on COL2A1 protein function. In summary, the available evidence is currently insufficient to determine the role of this variant in disease. Therefore, it has been classified as a Variant of Uncertain Significance.

NM_001844.5(COL2A1):c.2387C>T (p.Pro796Leu)

Gene: COL2A1 (collagen type II alpha 1 chain; minus strand). Cytogenetic location: 12q13.11.
Variant type: single nucleotide variant.
Coding change: c.2387C>T on transcript NM_001844.5 (MANE Select); coding-DNA position 2387, C replaced by T.
Protein change: p.Pro796Leu; replaces proline 796 with leucine.
Molecular consequence: missense variant.
Genome position (GRCh38, 1-based): chr12:47,981,798, G>A on the plus strand (C>T on the coding strand, the complement: COL2A1 is on the minus strand). VCF-style: chr12-47981798-G-A. GRCh37 (hg19) VCF-style: chr12-48375581-G-A.
Other names: c.2180C>T, p.Pro727Leu (NM_033150.3); short protein forms P796L, P727L.
Identifiers: ClinVar variation 3720376 (VCV003720376.2).